The following is an entry in ClinVar:

NM_001367823.1(ARHGEF18):c.1016C>T (p.Pro339Leu)

Gene: ARHGEF18 (Rho/Rac guanine nucleotide exchange factor 18; plus strand). Cytogenetic location: 19p13.2.
Variant type: single nucleotide variant.
Coding change: c.1016C>T on transcript NM_001367823.1 (MANE Select); coding-DNA position 1016, C replaced by T.
Protein change: p.Pro339Leu; replaces proline 339 with leucine.
Molecular consequence: missense variant. On other transcripts: 5 prime UTR variant (2).
Genome position (GRCh38, 1-based): chr19:7,440,392, C>T. VCF-style: chr19-7440392-C-T. GRCh37 (hg19) VCF-style: chr19-7505278-C-T.
Other names: c.290C>T, p.Pro97Leu (NM_001130955.2); c.-23C>T (NM_001367824.1, NM_015318.4); short protein forms P97L, P339L.
Identifiers: ClinVar variation 1368817 (VCV001368817.5), dbSNP rs775411428, ClinGen allele CA9136321.

ClinVar aggregate classification (germline): Uncertain significance (1 of 4 stars; one submission).

Allele frequency attached by ClinVar (database versions not stated): gnomAD 0.00001; gnomAD exomes 0.00002; ExAC 0.00003.
gnomAD v4.1: 7 of 1,609,368 alleles (0.00043%); highest among the groups gnomAD compares: South Asian, 0.0066%; no homozygotes.

Submission:

Labcorp Genetics (formerly Invitae), Labcorp
Classification: Uncertain significance. Last evaluated: 2022-09-27. Review status: criteria provided, single submitter. Criteria: Invitae Variant Classification Sherloc (09022015). Collection method: clinical testing. Allele origin: germline.
Comment: This sequence change replaces proline, which is neutral and non-polar, with leucine, which is neutral and non-polar, at codon 151 of the ARHGEF18 protein (p.Pro151Leu). This variant is present in population databases (rs775411428, gnomAD 0.01%). This variant has not been reported in the literature in individuals affected with ARHGEF18-related conditions. ClinVar contains an entry for this variant (Variation ID: 1368817). Algorithms developed to predict the effect of missense changes on protein structure and function output the following: SIFT: "Deleterious"; PolyPhen-2: "Benign"; Align-GVGD: "Class C0". The leucine amino acid residue is found in multiple mammalian species, which suggests that this missense change does not adversely affect protein function. In summary, the available evidence is currently insufficient to determine the role of this variant in disease. Therefore, it has been classified as a Variant of Uncertain Significance.